The following is an entry in ClinVar:

ClinVar aggregate classification (germline): Uncertain significance. Review status: criteria provided, multiple submitters, no conflicts (2 of 4 stars). 2 submissions from 2 submitters: Uncertain significance (2). Last evaluated 2026-07-23.

Conditions:
Hereditary cancer-predisposing syndrome. Also called: Tumor predisposition; Hereditary neoplastic syndrome; Neoplastic Syndromes, Hereditary; Hereditary Cancer Syndrome. Identifiers: Orphanet 140162, MedGen C0027672, MeSH D009386, MONDO:0015356.
Familial cancer of breast. Also called: Hereditary breast cancer; hereditary breast carcinoma; BREAST CANCER, FAMILIAL. Identifiers: Orphanet 227535, MedGen C0346153, MONDO:0016419, OMIM 114480. Disease mechanism: loss of function.

Submissions (2):

Ambry Genetics
Classification: Uncertain significance for Hereditary cancer-predisposing syndrome. Last evaluated: 2026-07-23. Review status: criteria provided, single submitter. Criteria: Ambry Variant Classification Scheme 2023. Collection method: clinical testing. Allele origin: germline.
Comment: The p.D265G variant (also known as c.794A>G), located in coding exon 6 of the CHEK2 gene, results from an A to G substitution at nucleotide position 794. The aspartic acid at codon 265 is replaced by glycine, an amino acid with similar properties. This amino acid position is highly conserved in available vertebrate species. In addition, the in silico prediction for this alteration is inconclusive. Based on the available evidence, the clinical significance of this variant remains unclear.

Labcorp Genetics (formerly Invitae), Labcorp
Classification: Uncertain significance for Familial cancer of breast. Last evaluated: 2024-08-22. Review status: criteria provided, single submitter. Criteria: Invitae Variant Classification Sherloc (09022015). Collection method: clinical testing. Allele origin: germline.
Comment: This sequence change replaces aspartic acid, which is acidic and polar, with glycine, which is neutral and non-polar, at codon 265 of the CHEK2 protein (p.Asp265Gly). This variant is not present in population databases (gnomAD no frequency). This variant has not been reported in the literature in individuals affected with CHEK2-related conditions. ClinVar contains an entry for this variant (Variation ID: 860422). An algorithm developed to predict the effect of missense changes on protein structure and function (PolyPhen-2) suggests that this variant is likely to be tolerated. In summary, the available evidence is currently insufficient to determine the role of this variant in disease. Therefore, it has been classified as a Variant of Uncertain Significance.

NM_007194.4(CHEK2):c.794A>G (p.Asp265Gly)

Gene: CHEK2 (checkpoint kinase 2; minus strand). Cytogenetic location: 22q12.1.
Variant type: single nucleotide variant.
Coding change: c.794A>G on transcript NM_007194.4 (MANE Select); coding-DNA position 794, A replaced by G.
Protein change: p.Asp265Gly; replaces aspartic acid 265 with glycine.
Molecular consequence: missense variant.
Genome position (GRCh38, 1-based): chr22:28,710,058, T>C on the plus strand (A>G on the coding strand, the complement: CHEK2 is on the minus strand). VCF-style: chr22-28710058-T-C. GRCh37 (hg19) VCF-style: chr22-29106046-T-C.
Other names: c.923A>G, p.Asp308Gly (NM_001005735.3); c.131A>G, p.Asp44Gly (NM_001257387.3); c.593A>G, p.Asp198Gly (NM_001349956.3); c.794A>G, p.Asp265Gly (NM_145862.3); short protein forms D198G, D265G, D308G, D44G.
Identifiers: ClinVar variation 860422 (VCV000860422.11), dbSNP rs2053337433, ClinGen allele CA411102513.
Genomic context (GRCh38, chr22:28,710,058, plus strand): 5'-ATACTTACATGATTTAGCTTTTTCAAAATTTCTATTTCTGTTTCAACATTGAGAGCTGGG[T>C]CCTTTGATAAACAGAATAACAGAGTTTATTAGTAATAATAATTGCCAATATTTAAAAAAA-3'
Protein context (NP_009125.1, residues 255-275): KFAIGSAREA[Asp265Gly]PALNVETEIE